The following is an entry in ClinVar:

ClinVar aggregate classification (germline): Uncertain significance (1 of 4 stars; one submission).

Conditions:
Catecholaminergic polymorphic ventricular tachycardia 1. Also called: VENTRICULAR TACHYCARDIA, STRESS-INDUCED POLYMORPHIC 1; RYR2-Related Catecholaminergic Polymorphic Ventricular Tachycardia; VENTRICULAR TACHYCARDIA, CATECHOLAMINERGIC POLYMORPHIC, 1, WITH OR WITHOUT ATRIAL DYSFUNCTION AND/OR DILATED CARDIOMYOPATHY. Identifiers: Orphanet 3286, MedGen C1631597, MONDO:0011484, OMIM 604772.

Submission:

Labcorp Genetics (formerly Invitae), Labcorp
Classification: Uncertain significance for Catecholaminergic polymorphic ventricular tachycardia 1. Last evaluated: 2025-10-25. Review status: criteria provided, single submitter. Criteria: Invitae Variant Classification Sherloc (09022015). Collection method: clinical testing. Allele origin: germline.
Comment: This sequence change replaces glutamine, which is neutral and polar, with arginine, which is basic and polar, at codon 3077 of the RYR2 protein (p.Gln3077Arg). This variant is not present in population databases (gnomAD no frequency). This variant has not been reported in the literature in individuals affected with RYR2-related conditions. Invitae Evidence Modeling of protein sequence and biophysical properties (such as structural, functional, and spatial information, amino acid conservation, physicochemical variation, residue mobility, and thermodynamic stability) indicates that this missense variant is not expected to disrupt RYR2 protein function with a negative predictive value of 95%. In summary, the available evidence is currently insufficient to determine the role of this variant in disease. Therefore, it has been classified as a Variant of Uncertain Significance.

NM_001035.3(RYR2):c.9230A>G (p.Gln3077Arg)

Gene: RYR2 (ryanodine receptor 2; plus strand). Cytogenetic location: 1q43.
Variant type: single nucleotide variant.
Coding change: c.9230A>G on transcript NM_001035.3 (MANE Select); coding-DNA position 9230, A replaced by G.
Protein change: p.Gln3077Arg; replaces glutamine 3077 with arginine.
Molecular consequence: missense variant.
Genome position (GRCh38, 1-based): chr1:237,700,330, A>G. VCF-style: chr1-237700330-A-G. GRCh37 (hg19) VCF-style: chr1-237863630-A-G.
Other names: short protein forms Q3077R.
Identifiers: ClinVar variation 4800100 (VCV004800100.1).